The following continues an entry in ClinVar:

NM_004004.6(GJB2):c.439G>A (p.Glu147Lys)

Gene: GJB2. ClinVar aggregate classification (germline): Pathogenic. Pathogenic (10).

Submissions 11 to 15 of 15:

PreventionGenetics, part of Exact Sciences
Classification: Pathogenic for GJB2-related condition. Last evaluated: 2024-04-01. Review status: no assertion criteria provided. Collection method: clinical testing. Allele origin: germline. Not counted in ClinVar's aggregate classification.
Comment: The GJB2 c.439G>A variant is predicted to result in the amino acid substitution p.Glu147Lys. This variant was reported in the homozygous and compound heterozygous states in patients with nonsyndromic hearing loss (Frei et al. 2004. PubMed ID: 14676473; Singh et al. 2018. PubMed ID: 30168495; Plevova et al. 2018. PubMed ID: 30344259; Table S2, Yuan et al. 2019. PubMed ID: 31541171; Downie et al. 2019. PubMed ID: 31827275). This variant is reported in 0.0033% of alleles in individuals of South Asian descent in gnomAD. This variant is interpreted as pathogenic.

Molecular Genetics Laboratory, BC Children's and BC Women's Hospitals
Classification: Pathogenic for Nonsyndromic genetic hearing loss. Last evaluated: 2022-05-11. Review status: no assertion criteria provided. Criteria: ACMG Guidelines, 2015. Collection method: clinical testing. Allele origin: germline. Affected: yes. Not counted in ClinVar's aggregate classification.

Genetic Testing Center for Deafness, Department of Otolaryngology Head & Neck Surgery, Institute of Otolaryngology, Chinese PLA General Hospital
Classification: Likely pathogenic for Autosomal recessive nonsyndromic hearing loss 1A. Last evaluated: 2019-02-26. Review status: no assertion criteria provided. Collection method: case-control. Allele origin: inherited. Affected: yes. Observed: 1 variant allele. Not counted in ClinVar's aggregate classification.

Counsyl
Classification: Likely pathogenic for Autosomal recessive nonsyndromic hearing loss 1A. Last evaluated: 2016-02-18. Review status: no assertion criteria provided. Collection method: clinical testing. Allele origin: unknown. Not counted in ClinVar's aggregate classification.

Counsyl
Classification: Likely pathogenic for Autosomal dominant nonsyndromic hearing loss 3A. Last evaluated: 2016-02-18. Review status: no assertion criteria provided. Collection method: clinical testing. Allele origin: unknown. Not counted in ClinVar's aggregate classification.

Literature cited by the submitters: PubMed 14676473 (cited by 5 submitters); PubMed 20022641 (cited by 3 submitters); PubMed 31379920 (cited by Natera, Inc.); PubMed 14985372 (cited by 4 submitters); PubMed 15253766 (cited by Natera, Inc.); PubMed 16380907 (cited by Natera, Inc. and Laboratory for Molecular Medicine, Mass General Brigham Personalized Medicine); PubMed 21465647 (cited by 3 submitters); PubMed 30168495 (cited by Labcorp Genetics (formerly Invitae), Labcorp); PubMed 30344259 (cited by Labcorp Genetics (formerly Invitae), Labcorp); PubMed 21131880 (cited by INGEBI, INGEBI / CONICET and Laboratory for Molecular Medicine, Mass General Brigham Personalized Medicine); PubMed 26043044 (cited by INGEBI, INGEBI / CONICET and Laboratory for Molecular Medicine, Mass General Brigham Personalized Medicine); PubMed 17567887 (cited by Laboratory for Molecular Medicine, Mass General Brigham Personalized Medicine).